The following is an entry in ClinVar:

ClinVar aggregate classification (germline): Uncertain significance (1 of 4 stars; one submission).

Allele frequency attached by ClinVar (database versions not stated): gnomAD 0.00001; TOPMed 0.00002.

Submission:

Ambry Genetics
Classification: Uncertain significance. Last evaluated: 2024-08-12. Review status: criteria provided, single submitter. Criteria: Ambry Variant Classification Scheme 2023. Collection method: clinical testing. Allele origin: germline.
Comment: The p.D762G variant (also known as c.2285A>G), located in coding exon 12 of the PALLD gene, results from an A to G substitution at nucleotide position 2285. The aspartic acid at codon 762 is replaced by glycine, an amino acid with similar properties. This amino acid position is conserved. In addition, the in silico prediction for this alteration is inconclusive. Since supporting evidence is limited at this time, the clinical significance of this alteration remains unclear.

NM_001166108.2(PALLD):c.2336A>G (p.Asp779Gly)

Genes: CBR4 (carbonyl reductase 4; minus strand), PALLD (palladin, cytoskeletal associated protein; plus strand). Cytogenetic location: 4q32.3.
Variant type: single nucleotide variant.
Coding change: c.2336A>G on transcript NM_001166108.2 (MANE Select); coding-DNA position 2336, A replaced by G.
Protein change: p.Asp779Gly; replaces aspartic acid 779 with glycine.
Molecular consequence: missense variant.
Genome position (GRCh38, 1-based): chr4:168,898,578, A>G. VCF-style: chr4-168898578-A-G. GRCh37 (hg19) VCF-style: chr4-169819729-A-G.
Other names: c.1139A>G, p.Asp380Gly (NM_001166109.2); c.824A>G, p.Asp275Gly (NM_001166110.2); c.164A>G, p.Asp55Gly (NM_001367567.1, NM_001367569.1); c.215A>G, p.Asp72Gly (NM_001367568.1, NM_001367570.1); c.2285A>G, p.Asp762Gly (NM_016081.4); short protein forms D275G, D72G, D55G, D779G, D380G, D762G.
Identifiers: ClinVar variation 1788997 (VCV001788997.3), dbSNP rs1235282808, ClinGen allele CA358798855.
Genomic context (GRCh38, chr4:168,898,578, plus strand): 5'-AGAGACTCATCAGTGAAATAGAGTACAGGCTAGAAAGGTCTCCTGTGGATGAATCAGGTG[A>G]TGAAGTTCAGTATGGAGATGTGCCTGTGGAAAATGGAATGGCACCATTCTTTGAGATGAA-3'
Protein context (NP_001159580.1, residues 769-789): LERSPVDESG[Asp779Gly]EVQYGDVPVE